The following is an entry in ClinVar:

NM_000090.4(COL3A1):c.1061_1062insTA (p.Pro355fs)

Gene: COL3A1 (collagen type III alpha 1 chain; plus strand). Cytogenetic location: 2q32.2.
Variant type: Insertion.
Coding change: c.1061_1062insTA on transcript NM_000090.4 (MANE Select); coding-DNA positions 1061 to 1062, TA inserted.
Protein change: p.Pro355fs; shifts the reading frame from proline 355.
Molecular consequence: frameshift variant.
Genome position: GRCh38 VCF-style: chr2-188993371-G-GTA. GRCh37 (hg19) VCF-style: chr2-189858097-G-GTA.
Other names: short protein forms P355fs.
Identifiers: ClinVar variation 524003 (VCV000524003.2), dbSNP rs1553507793, ClinGen allele CA658796114.

ClinVar aggregate classification (germline): Likely pathogenic (1 of 4 stars; one submission).

Submission:

GeneDx
Classification: Likely pathogenic. Last evaluated: 2018-03-16. Review status: criteria provided, single submitter. Criteria: GeneDx Variant Classification (06012015). Collection method: clinical testing. Allele origin: germline. Affected: yes.
Comment: Although the c.1061_1062insTA likely pathogenic variant in the COL3A1 gene has not been reported to our knowledge, this variant causes a shift in reading frame starting at codon Proline 355, changing it to an Asparagine, and creating a premature stop codon at position 56 of the new reading frame, denoted p.Pro355AsnfsX56. This likely pathogenic variant is expected to result in either an abnormal, truncated protein product or loss of protein from this allele through nonsense-mediated mRNA decay. The c.1061_1062insTA variant has not been observed in large population cohorts (Lek et al., 2016). Other frameshift variants in the COL3A1 gene have been reported in Human Gene Mutation Database in association with vascular Ehlers-Danlos syndrome (Stenson et al., 2014), indicating that loss-of-function is a mechanism of disease for this gene. Of note, a study of individuals with loss-of-function variants revealed that life span was extended, the age of the first complication was delayed, major complications were limited to vascular events, and penetrance was reduced (Leistritz et al., 2011).